The following is an entry in ClinVar:

ClinVar aggregate classification (germline): Uncertain significance (1 of 4 stars; one submission).

Allele frequency attached by ClinVar (database versions not stated): gnomAD 0.00001; gnomAD exomes 0.00002; TOPMed 0.00002.
gnomAD v4.1: 24 of 1,613,784 alleles (0.0015%); highest among the groups gnomAD compares: Admixed American, 0.0033%; no homozygotes.

Submission:

Labcorp Genetics (formerly Invitae), Labcorp
Classification: Uncertain significance. Last evaluated: 2022-05-05. Review status: criteria provided, single submitter. Criteria: Invitae Variant Classification Sherloc (09022015). Collection method: clinical testing. Allele origin: germline.
Comment: In summary, the available evidence is currently insufficient to determine the role of this variant in disease. Therefore, it has been classified as a Variant of Uncertain Significance. Algorithms developed to predict the effect of missense changes on protein structure and function (SIFT, PolyPhen-2, Align-GVGD) all suggest that this variant is likely to be disruptive. ClinVar contains an entry for this variant (Variation ID: 851142). This variant has not been reported in the literature in individuals affected with CCT2-related conditions. This variant is present in population databases (no rsID available, gnomAD 0.006%). This sequence change replaces alanine, which is neutral and non-polar, with valine, which is neutral and non-polar, at codon 163 of the CCT2 protein (p.Ala163Val).

NM_006431.3(CCT2):c.488C>T (p.Ala163Val)

Gene: CCT2 (chaperonin containing TCP1 subunit 2; plus strand). Cytogenetic location: 12q15.
Variant type: single nucleotide variant.
Coding change: c.488C>T on transcript NM_006431.3 (MANE Select); coding-DNA position 488, C replaced by T.
Protein change: p.Ala163Val; replaces alanine 163 with valine.
Molecular consequence: missense variant.
Genome position (GRCh38, 1-based): chr12:69,589,526, C>T. VCF-style: chr12-69589526-C-T. GRCh37 (hg19) VCF-style: chr12-69983306-C-T.
Other names: c.347C>T, p.Ala116Val (NM_001198842.2); short protein forms A116V, A163V.
Identifiers: ClinVar variation 851142 (VCV000851142.9), dbSNP rs1322651626, ClinGen allele CA385726341.